The following is an entry in ClinVar:

ClinVar aggregate classification (germline): Uncertain significance (1 of 4 stars; one submission).

Conditions:
Autosomal dominant nocturnal frontal lobe epilepsy 5. Also called: CILIARY DYSKINESIA, PRIMARY, 28, WITHOUT SITUS INVERSUS; CILIARY DYSKINESIA, PRIMARY, 28, WITH SITUS INVERSUS; KCNT1-Related Epilepsy; Epilepsy, nocturnal frontal lobe, 5. Identifiers: Orphanet 98784, MedGen C3554306, MONDO:0014002, OMIM 615005.
Developmental and epileptic encephalopathy, 14 (DEE14). Also called: Early infantile epileptic encephalopathy 14. Identifiers: Orphanet 293181, MedGen C3554195, MONDO:0013989, OMIM 614959.

gnomAD v4.1: 3 of 1,605,988 alleles (0.00019%); highest among the groups gnomAD compares: Non-Finnish European, 0.00025%; no homozygotes.

Submission:

Labcorp Genetics (formerly Invitae), Labcorp
Classification: Uncertain significance for Autosomal dominant nocturnal frontal lobe epilepsy 5; Developmental and epileptic encephalopathy, 14. Last evaluated: 2025-12-11. Review status: criteria provided, single submitter. Criteria: Invitae Variant Classification Sherloc (09022015). Collection method: clinical testing. Allele origin: germline.
Comment: This sequence change replaces cysteine, which is neutral and slightly polar, with arginine, which is basic and polar, at codon 1225 of the KCNT1 protein (p.Cys1225Arg). This variant is not present in population databases (gnomAD no frequency). This variant has not been reported in the literature in individuals affected with KCNT1-related conditions. Invitae Evidence Modeling of protein sequence and biophysical properties (such as structural, functional, and spatial information, amino acid conservation, physicochemical variation, residue mobility, and thermodynamic stability) indicates that this missense variant is not expected to disrupt KCNT1 protein function with a negative predictive value of 95%. In summary, the available evidence is currently insufficient to determine the role of this variant in disease. Therefore, it has been classified as a Variant of Uncertain Significance.

NM_020822.3(KCNT1):c.3673T>C (p.Cys1225Arg)

Gene: KCNT1 (potassium sodium-activated channel subfamily T member 1; plus strand). Cytogenetic location: 9q34.3.
Variant type: single nucleotide variant.
Coding change: c.3673T>C on transcript NM_020822.3 (MANE Select); coding-DNA position 3673, T replaced by C.
Protein change: p.Cys1225Arg; replaces cysteine 1225 with arginine.
Molecular consequence: missense variant.
Genome position (GRCh38, 1-based): chr9:135,792,126, T>C. VCF-style: chr9-135792126-T-C. GRCh37 (hg19) VCF-style: chr9-138683972-T-C.
Other names: c.3601T>C, p.Cys1201Arg (NM_001272003.2); short protein forms C1201R, C1225R.
Identifiers: ClinVar variation 4783840 (VCV004783840.1).